The following is an entry in ClinVar:

NM_001372574.1(ATXN2):c.42G>A (p.Gln14=)

Gene: ATXN2 (ataxin 2; minus strand). Cytogenetic location: 12q24.12.
Variant type: single nucleotide variant.
Coding change: c.42G>A on transcript NM_001372574.1 (MANE Select); coding-DNA position 42, G replaced by A.
Protein change: p.Gln14=; no amino-acid change (glutamine 14 retained).
Molecular consequence: synonymous variant. On other transcripts: non-coding transcript variant (1), intron variant (2).
Genome position (GRCh38, 1-based): chr12:111,598,993, C>T on the plus strand (G>A on the coding strand, the complement: ATXN2 is on the minus strand). VCF-style: chr12-111598993-C-T. GRCh37 (hg19) VCF-style: chr12-112036797-C-T.
Other names: c.42G>A, p.Gln14= (NM_002973.4); c.-28+582G>A (NM_001310123.1); c.-65+582G>A (NM_001310121.1).
Identifiers: ClinVar variation 128509 (VCV000128509.11), dbSNP rs4098854, ClinGen allele CA152001.
Genomic context (GRCh38, chr12:111,598,993, plus strand): 5'-GGCAGCCGCGGGCGGCGGCTGCTGCTGCTGCTGCTGCTGCTGCTGTTGCTGCTGCTGCTG[C>T]TGCTGCTGCTGCTGCTGCTGCTGCTGGGGCTTCAGCGACATGGTGAGGGGCCCATACACC-3'
Protein context (NP_001359503.1, residues 4-24): KPQQQQQQQQ[Gln14=]QQQQQQQQQQ

ClinVar aggregate classification (germline): Benign. Review status: criteria provided, single submitter (1 of 4 stars). 4 submissions from 4 submitters: Benign (1). 3 of the submissions do not count toward it.

Conditions:
Spinocerebellar ataxia type 2 (SCA2). Also called: CEREBELLAR DEGENERATION WITH SLOW EYE MOVEMENTS; OLIVOPONTOCEREBELLAR ATROPHY II; SPINOCEREBELLAR ATROPHY II. Identifiers: Orphanet 98756, MedGen C0752121, MONDO:0008458, OMIM 183090.

Allele frequency attached by ClinVar (database versions not stated): ExAC 0.62091; 1000 Genomes Project 0.65675; gnomAD exomes 0.69263; gnomAD 0.75377 and 0.75596.

Submissions (4):

Breakthrough Genomics
Classification: Benign. Review status: criteria provided, single submitter. Criteria: ACMG Guidelines, 2015. Collection method: not provided. Allele origin: germline. Inheritance: Autosomal dominant inheritance. Affected: yes.

Genome Diagnostics Laboratory, Amsterdam University Medical Center
Classification: Likely benign for Spinocerebellar ataxia type 2. Last evaluated: 2015-02-07. Review status: no assertion criteria provided. Criteria: ACGS Guidelines, 2013. Collection method: clinical testing. Allele origin: germline. Affected: yes. Study: VKGL Data-share Consensus. Not counted in ClinVar's aggregate classification.

Clinical Genetics, Academic Medical Center
Classification: Benign. Review status: no assertion criteria provided. Collection method: clinical testing. Allele origin: germline. Affected: yes. Study: VKGL Data-share Consensus. Not counted in ClinVar's aggregate classification.

Genetic Services Laboratory, University of Chicago
Classification: Likely benign for AllHighlyPenetrant. Review status: no assertion criteria provided. Collection method: clinical testing. Allele origin: germline. Inheritance: Autosomal dominant inheritance. Not counted in ClinVar's aggregate classification.
Comment: Likely benign based on allele frequency in 1000 Genomes Project or ESP global frequency and its presence in a patient with a rare or unrelated disease phenotype. NOT Sanger confirmed.